The following is an entry in ClinVar:

NM_001365951.3(KIF1B):c.3125A>G (p.Asn1042Ser)

Gene: KIF1B (kinesin family member 1B; plus strand). Cytogenetic location: 1p36.22.
Variant type: single nucleotide variant.
Coding change: c.3125A>G on transcript NM_001365951.3 (MANE Select); coding-DNA position 3125, A replaced by G.
Protein change: p.Asn1042Ser; replaces asparagine 1042 with serine.
Molecular consequence: missense variant.
Genome position (GRCh38, 1-based): chr1:10,336,738, A>G. VCF-style: chr1-10336738-A-G. GRCh37 (hg19) VCF-style: chr1-10396796-A-G.
Other names: c.3125A>G, p.Asn1042Ser (NM_001365952.1); c.2987A>G, p.Asn996Ser (NM_015074.3); short protein forms N1042S, N996S.
Identifiers: ClinVar variation 1046917 (VCV001046917.8), dbSNP rs201731199, ClinGen allele CA338339488.

ClinVar aggregate classification (germline): Uncertain significance (1 of 4 stars; one submission).

Conditions:
Charcot-Marie-Tooth disease type 2. Also called: Charcot-Marie-Tooth type 2. Identifiers: Orphanet 64746, MedGen C0270914, MONDO:0018993.

Submission:

Labcorp Genetics (formerly Invitae), Labcorp
Classification: Uncertain significance for Charcot-Marie-Tooth disease type 2. Last evaluated: 2020-07-12. Review status: criteria provided, single submitter. Criteria: Invitae Variant Classification Sherloc (09022015). Collection method: clinical testing. Allele origin: germline.
Comment: This sequence change replaces asparagine with serine at codon 996 of the KIF1B protein (p.Asn996Ser). The asparagine residue is weakly conserved and there is a small physicochemical difference between asparagine and serine. In summary, the available evidence is currently insufficient to determine the role of this variant in disease. Therefore, it has been classified as a Variant of Uncertain Significance. Algorithms developed to predict the effect of sequence changes on RNA splicing suggest that this variant may create or strengthen a splice site, but this prediction has not been confirmed by published transcriptional studies. Algorithms developed to predict the effect of missense changes on protein structure and function output the following: SIFT: "Tolerated"; PolyPhen-2: "Benign"; Align-GVGD: "Class C0". The serine amino acid residue is found in multiple mammalian species, suggesting that this missense change does not adversely affect protein function. These predictions have not been confirmed by published functional studies and their clinical significance is uncertain. This variant has not been reported in the literature in individuals with KIF1B-related conditions. This variant is not present in population databases (ExAC no frequency).